The following is an entry in ClinVar:

ClinVar aggregate classification (germline): Uncertain significance (1 of 4 stars; one submission).

Submission:

Labcorp Genetics (formerly Invitae), Labcorp
Classification: Uncertain significance. Last evaluated: 2025-01-06. Review status: criteria provided, single submitter. Criteria: Invitae Variant Classification Sherloc (09022015). Collection method: clinical testing. Allele origin: germline.
Comment: This sequence change replaces isoleucine, which is neutral and non-polar, with threonine, which is neutral and polar, at codon 138 of the CASQ1 protein (p.Ile138Thr). This variant is present in population databases (rs779441331, gnomAD 0.004%). This variant has not been reported in the literature in individuals affected with CASQ1-related conditions. Invitae Evidence Modeling of protein sequence and biophysical properties (such as structural, functional, and spatial information, amino acid conservation, physicochemical variation, residue mobility, and thermodynamic stability) indicates that this missense variant is not expected to disrupt CASQ1 protein function with a negative predictive value of 80%. In summary, the available evidence is currently insufficient to determine the role of this variant in disease. Therefore, it has been classified as a Variant of Uncertain Significance.

NM_001231.5(CASQ1):c.413T>C (p.Ile138Thr)

Gene: CASQ1 (calsequestrin 1; plus strand). Cytogenetic location: 1q23.2.
Variant type: single nucleotide variant.
Coding change: c.413T>C on transcript NM_001231.5 (MANE Select); coding-DNA position 413, T replaced by C.
Protein change: p.Ile138Thr; replaces isoleucine 138 with threonine.
Molecular consequence: missense variant.
Genome position (GRCh38, 1-based): chr1:160,193,795, T>C. VCF-style: chr1-160193795-T-C. GRCh37 (hg19) VCF-style: chr1-160163585-T-C.
Other names: short protein forms I138T.
Identifiers: ClinVar variation 3626026 (VCV003626026.2).